The following is an entry in ClinVar:

ClinVar aggregate classification (germline): Uncertain significance (1 of 4 stars; one submission).

Conditions:
Cognitive impairment - coarse facies - heart defects - obesity - pulmonary involvement - short stature - skeletal dysplasia syndrome. Also called: COGNITIVE IMPAIRMENT, COARSE FACIES, HEART DEFECTS, OBESITY, PULMONARY INVOLVEMENT, SHORT STATURE, AND SKELETAL DYSPLASIA; Chops syndrome; AFF4-Related CHOPS Syndrome. Identifiers: Orphanet 444077, MedGen C4085597, MONDO:0014609, OMIM 616368.

Submission:

Labcorp Genetics (formerly Invitae), Labcorp
Classification: Uncertain significance for Cognitive impairment - coarse facies - heart defects - obesity - pulmonary involvement - short stature - skeletal dysplasia syndrome. Last evaluated: 2022-04-04. Review status: criteria provided, single submitter. Criteria: Invitae Variant Classification Sherloc (09022015). Collection method: clinical testing. Allele origin: germline.
Comment: This sequence change replaces alanine, which is neutral and non-polar, with valine, which is neutral and non-polar, at codon 255 of the AFF4 protein (p.Ala255Val). This variant is not present in population databases (gnomAD no frequency). This variant has not been reported in the literature in individuals affected with AFF4-related conditions. Algorithms developed to predict the effect of missense changes on protein structure and function are either unavailable or do not agree on the potential impact of this missense change (SIFT: "Tolerated"; PolyPhen-2: "Probably Damaging"; Align-GVGD: "Class C0"). This variant disrupts the p.Ala255 amino acid residue in AFF4. Other variant(s) that disrupt this residue have been determined to be pathogenic (PMID: 31058441). This suggests that this residue is clinically significant, and that variants that disrupt this residue are likely to be disease-causing. In summary, the available evidence is currently insufficient to determine the role of this variant in disease. Therefore, it has been classified as a Variant of Uncertain Significance.

Literature cited by the submitters: PubMed 31058441.

NM_014423.4(AFF4):c.764C>T (p.Ala255Val)

Gene: AFF4 (ALF transcription elongation factor 4; minus strand). Cytogenetic location: 5q31.1.
Variant type: single nucleotide variant.
Coding change: c.764C>T on transcript NM_014423.4 (MANE Select); coding-DNA position 764, C replaced by T.
Protein change: p.Ala255Val; replaces alanine 255 with valine.
Molecular consequence: missense variant.
Genome position (GRCh38, 1-based): chr5:132,934,301, G>A on the plus strand (C>T on the coding strand, the complement: AFF4 is on the minus strand). VCF-style: chr5-132934301-G-A. GRCh37 (hg19) VCF-style: chr5-132269993-G-A.
Other names: short protein forms A255V.
Identifiers: ClinVar variation 2121344 (VCV002121344.4), dbSNP rs2532575046, ClinGen allele CA360958256.
Genomic context (GRCh38, chr5:132,934,301, plus strand): 5'-TAGTGCTCAGAGGACAGCTTTGGTTCCATGGACTCCTGTCCGTCCATGGGCCGCACATAG[G>A]CAGTGGGTTTCTGTAACATTGAATTGGACTTTGACATCAATGAGGGTGGGAAAGATTGAG-3'
Protein context (NP_055238.1, residues 245-265): KSNSMLQKPT[Ala255Val]YVRPMDGQES